The following is an entry in ClinVar:

NM_003001.5(SDHC):c.473T>G (p.Leu158Arg)

Gene: SDHC (succinate dehydrogenase complex subunit C; plus strand). Cytogenetic location: 1q23.3.
Variant type: single nucleotide variant.
Coding change: c.473T>G on transcript NM_003001.5 (MANE Select); coding-DNA position 473, T replaced by G.
Protein change: p.Leu158Arg; replaces leucine 158 with arginine.
Molecular consequence: missense variant. On other transcripts: synonymous variant (3), non-coding transcript variant (1).
Genome position (GRCh38, 1-based): chr1:161,362,396, T>G. VCF-style: chr1-161362396-T-G. GRCh37 (hg19) VCF-style: chr1-161332186-T-G.
Other names: c.362T>G, p.Leu121Arg (NM_001407119.1, NM_001407120.1); c.252T>G, p.Ser84= (NM_001407121.1); c.309T>G, p.Ser103= (NM_001035511.3); c.371T>G, p.Leu124Arg (NM_001035512.3); c.314T>G, p.Leu105Arg (NM_001035513.3); c.207T>G, p.Ser69= (NM_001278172.3); c.593T>G, p.Leu198Arg (NM_001407115.1); c.416T>G, p.Leu139Arg (NM_001407116.1); and 2 more; short protein forms L124R, L139R, L158R, L137R, L105R, L121R, L122R, L198R.
Identifiers: ClinVar variation 4782424 (VCV004782424.1).

ClinVar aggregate classification (germline): Uncertain significance (1 of 4 stars; one submission).

Conditions:
Pheochromocytoma/paraganglioma syndrome 3. Also called: GLOMUS TUMORS, FAMILIAL, 3; Paragangliomas 3; SDHC-Related Hereditary Paraganglioma-Pheochromocytoma Syndrome (Paragangliomas 3); SDHC-Related Hereditary Paraganglioma-Pheochromocytoma Syndrome. Identifiers: Orphanet 29072, MedGen C1854336, MONDO:0011544, OMIM 605373.
Gastrointestinal stromal tumor. Also called: Gastrointestinal stroma tumor; Gastrointestinal stromal tumor, somatic. Identifiers: Orphanet 44890, MedGen C0238198, MeSH D046152, MONDO:0011719, OMIM 606764, HP:0100723.

Submission:

Labcorp Genetics (formerly Invitae), Labcorp
Classification: Uncertain significance for Pheochromocytoma/paraganglioma syndrome 3; Gastrointestinal stromal tumor. Last evaluated: 2025-03-24. Review status: criteria provided, single submitter. Criteria: Invitae Variant Classification Sherloc (09022015). Collection method: clinical testing. Allele origin: germline.
Comment: This sequence change replaces leucine, which is neutral and non-polar, with arginine, which is basic and polar, at codon 158 of the SDHC protein (p.Leu158Arg). This variant is not present in population databases (gnomAD no frequency). This variant has not been reported in the literature in individuals affected with SDHC-related conditions. Invitae Evidence Modeling of protein sequence and biophysical properties (such as structural, functional, and spatial information, amino acid conservation, physicochemical variation, residue mobility, and thermodynamic stability) indicates that this missense variant is expected to disrupt SDHC protein function with a positive predictive value of 95%. Algorithms developed to predict the effect of sequence changes on RNA splicing suggest that this variant may create or strengthen a splice site. In summary, the available evidence is currently insufficient to determine the role of this variant in disease. Therefore, it has been classified as a Variant of Uncertain Significance.